The following is an entry in ClinVar:

ClinVar aggregate classification (germline): Pathogenic. Review status: reviewed by expert panel (3 of 4 stars). 2 submissions from 2 submitters: Pathogenic (1). 1 of the submissions does not count toward it. Last evaluated 2016-10-18.

Conditions:
Breast-ovarian cancer, familial, susceptibility to, 2 (BROVCA2). Also called: BRCA2 Hereditary Breast and Ovarian Cancer. Identifiers: Orphanet 145, MedGen C2675520, MONDO:0012933, OMIM 612555. Disease mechanism: loss of function.

Submissions (2):

Evidence-based Network for the Interpretation of Germline Mutant Alleles (ENIGMA)
Classification: Pathogenic for Breast-ovarian cancer, familial, susceptibility to, 2. Last evaluated: 2016-10-18. Review status: reviewed by expert panel. Criteria: ENIGMA BRCA1/2 Classification Criteria (2015). Collection method: curation. Allele origin: germline.
Comment: Variant allele predicted to encode a truncated non-functional protein.

Consortium of Investigators of Modifiers of BRCA1/2 (CIMBA), c/o University of Cambridge
Classification: Pathogenic for Breast-ovarian cancer, familial, susceptibility to, 2. Last evaluated: 2015-10-02. Review status: criteria provided, single submitter. Criteria: CIMBA Mutation Classification guidelines May 2016. Collection method: clinical testing. Allele origin: germline. Not counted in ClinVar's aggregate classification.

NM_000059.4(BRCA2):c.1318_1319dup (p.Thr441fs)

Gene: BRCA2 (BRCA2 DNA repair associated; plus strand). Cytogenetic location: 13q13.1.
Variant type: Duplication.
Coding change: c.1318_1319dup on transcript NM_000059.4 (MANE Select); coding-DNA positions 1318 to 1319, 2 bases duplicated (CT; older notation c.1318_1319dupCT).
Protein change: p.Thr441fs; shifts the reading frame from threonine 441.
Molecular consequence: frameshift variant.
Genome position (GRCh38, 1-based): chr13:32,332,796-32,332,797, CT duplicated; duplicating any 2 consecutive bases within chr13:32,332,795-32,332,797 gives the same sequence; the c. name uses the placement nearest the transcript's 3' end. VCF-style (leftmost placement, unchanged base first): chr13-32332794-T-TTC. GRCh37 (hg19) VCF-style: chr13-32906931-T-TTC.
Other names: 1546dupCT; short protein forms T441fs.
Identifiers: ClinVar variation 266628 (VCV000266628.7), dbSNP rs886040360, ClinGen allele CA10589087.